The following is an entry in ClinVar:

ClinVar aggregate classification (germline): Conflicting classifications of pathogenicity. Review status: criteria provided, conflicting classifications (1 of 4 stars). 2 submissions from 2 submitters: Likely pathogenic (1); Uncertain significance (1). Last evaluated 2022-09-29.

Conditions:
Arthrogryposis multiplex congenita (AMC). Also called: Congenital multiple arthrogryposis; Fibrous ankylosis of multiple joints; Congenital arthromyodysplasia; Myodystrophia fetalis deformans; Otto syndrome; Rocher-Sheldon syndrome. Identifiers: Orphanet 1037, MedGen C5779613, MeSH D001176, MONDO:0015168, HP:0002804.
Fetal akinesia deformation sequence 1 (FADS1). Also called: Pena-Shokeir syndrome type I; Fetal akinesia sequence. Identifiers: Orphanet 994, MedGen C1276035, MONDO:0100101, OMIM 208150, HP:0001989.

Allele frequency attached by ClinVar (database versions not stated): TOPMed 0.00002.
gnomAD v4.1: 8 of 1,613,896 alleles (0.0005%); highest among the groups gnomAD compares: African/African-American, 0.0013%; no homozygotes.

Submissions (2):

Labcorp Genetics (formerly Invitae), Labcorp
Classification: Uncertain significance. Last evaluated: 2022-09-29. Review status: criteria provided, single submitter. Criteria: Invitae Variant Classification Sherloc (09022015). Collection method: clinical testing. Allele origin: germline.
Comment: This sequence change replaces glycine, which is neutral and non-polar, with valine, which is neutral and non-polar, at codon 164 of the ASAH1 protein (p.Gly164Val). This variant is not present in population databases (gnomAD no frequency). This missense change has been observed in individual(s) with clinical features of ASAH1-related conditions (PMID: 31680123). ClinVar contains an entry for this variant (Variation ID: 692297). Advanced modeling of protein sequence and biophysical properties (such as structural, functional, and spatial information, amino acid conservation, physicochemical variation, residue mobility, and thermodynamic stability) performed at Invitae indicates that this missense variant is expected to disrupt ASAH1 protein function. Algorithms developed to predict the effect of sequence changes on RNA splicing suggest that this variant may disrupt the consensus splice site. In summary, the available evidence is currently insufficient to determine the role of this variant in disease. Therefore, it has been classified as a Variant of Uncertain Significance.

Cirak Lab, University Hospital Cologne
Classification: Likely pathogenic for Arthrogryposis multiplex congenita; Fetal akinesia sequence. Last evaluated: 2019-06-28. Review status: criteria provided, single submitter. Criteria: ACMG Guidelines, 2015. Collection method: research. Allele origin: unknown. Affected: yes. Observed: 1 variant allele.

Literature cited by the submitters: PubMed 31680123 (cited by Labcorp Genetics (formerly Invitae), Labcorp and Cirak Lab, University Hospital Cologne).

NM_177924.5(ASAH1):c.491G>T (p.Gly164Val)

Gene: ASAH1 (N-acylsphingosine amidohydrolase 1; minus strand). Cytogenetic location: 8p22.
Variant type: single nucleotide variant.
Coding change: c.491G>T on transcript NM_177924.5 (MANE Select); coding-DNA position 491, G replaced by T.
Protein change: p.Gly164Val; replaces glycine 164 with valine.
Molecular consequence: missense variant.
Genome position (GRCh38, 1-based): chr8:18,063,197, C>A on the plus strand (G>T on the coding strand, the complement: ASAH1 is on the minus strand). VCF-style: chr8-18063197-C-A. GRCh37 (hg19) VCF-style: chr8-17920706-C-A.
Other names: c.473G>T, p.Gly158Val (NM_001127505.3); c.296G>T, p.Gly99Val (NM_001363743.2); c.539G>T, p.Gly180Val (NM_004315.6); short protein forms G158V, G164V, G99V, G180V.
Identifiers: ClinVar variation 692297 (VCV000692297.4), dbSNP rs1588980220, ClinGen allele CA370431037.